The following is an entry in ClinVar:

ClinVar aggregate classification (germline): Conflicting classifications of pathogenicity. Review status: criteria provided, conflicting classifications (1 of 4 stars). 6 submissions from 5 submitters: Uncertain significance (1); Likely benign (5). Last evaluated 2025-12-26.

Conditions:
RPGRIP1-related disorder. Also called: RPGRIP1-related condition.
Leber congenital amaurosis 6 (LCA6). Identifiers: Orphanet 65, MedGen C1854260, MONDO:0013446, OMIM 613826.
Cone-rod dystrophy 13 (CORD13). Identifiers: Orphanet 1872, MedGen C2750720, MONDO:0011987, OMIM 608194.

Allele frequency attached by ClinVar (database versions not stated): gnomAD exomes 0.00005 and 0.00013; ExAC 0.00021; ESP Exome Variant Server 0.00025; gnomAD 0.00066 and 0.00073; 1000 Genomes Project 0.00080; TOPMed 0.00086; 1000 Genomes Project 30x 0.00094.
gnomAD v4.1: 175 of 1,610,930 alleles (0.011%); highest among the groups gnomAD compares: African/African-American, 0.22%; no homozygotes.

Submissions (6):

Labcorp Genetics (formerly Invitae), Labcorp
Classification: Likely benign for Leber congenital amaurosis 6; Cone-rod dystrophy 13. Last evaluated: 2025-12-26. Review status: criteria provided, single submitter. Criteria: Invitae Variant Classification Sherloc (09022015). Collection method: clinical testing. Allele origin: germline.

PreventionGenetics, part of Exact Sciences
Classification: Likely benign for RPGRIP1-related condition. Last evaluated: 2024-10-10. Review status: criteria provided, single submitter. Criteria: ACMG Guidelines, 2015. Collection method: clinical testing. Allele origin: germline.
Comment: This variant is classified as likely benign based on ACMG/AMP sequence variant interpretation guidelines (Richards et al. 2015 PMID: 25741868, with internal and published modifications).

Blueprint Genetics
Classification: Likely benign. Last evaluated: 2022-09-28. Review status: criteria provided, single submitter. Criteria: ACMG Guidelines, 2015. Collection method: clinical testing. Allele origin: germline.

Genome-Nilou Lab
Classification: Likely benign for Leber congenital amaurosis 6. Last evaluated: 2021-11-07. Review status: criteria provided, single submitter. Criteria: ACMG Guidelines, 2015. Collection method: clinical testing. Allele origin: germline. Affected: no.

Genome-Nilou Lab
Classification: Likely benign for Cone-rod dystrophy 13. Last evaluated: 2021-11-07. Review status: criteria provided, single submitter. Criteria: ACMG Guidelines, 2015. Collection method: clinical testing. Allele origin: germline. Affected: no.

Eurofins Ntd Llc (ga)
Classification: Uncertain significance. Last evaluated: 2016-11-11. Review status: criteria provided, single submitter. Criteria: EGL Classification Definitions 2015. Collection method: clinical testing. Allele origin: germline. Observed: 1 variant allele, 1 heterozygote.

NM_020366.4(RPGRIP1):c.74C>T (p.Pro25Leu)

Gene: RPGRIP1 (RPGR interacting protein 1; plus strand). Cytogenetic location: 14q11.2.
Variant type: single nucleotide variant.
Coding change: c.74C>T on transcript NM_020366.4 (MANE Select); coding-DNA position 74, C replaced by T.
Protein change: p.Pro25Leu; replaces proline 25 with leucine.
Molecular consequence: missense variant.
Genome position (GRCh38, 1-based): chr14:21,288,050, C>T. VCF-style: chr14-21288050-C-T. GRCh37 (hg19) VCF-style: chr14-21756209-C-T.
Other names: short protein forms P25L.
Identifiers: ClinVar variation 498002 (VCV000498002.19), dbSNP rs199590641, ClinGen allele CA7088535.